The following is an entry in ClinVar:

NM_020937.4(FANCM):c.1447T>G (p.Ser483Ala)

Gene: FANCM (FA complementation group M; plus strand). Cytogenetic location: 14q21.2.
Variant type: single nucleotide variant.
Coding change: c.1447T>G on transcript NM_020937.4 (MANE Select); coding-DNA position 1447, T replaced by G.
Protein change: p.Ser483Ala; replaces serine 483 with alanine.
Molecular consequence: missense variant.
Genome position (GRCh38, 1-based): chr14:45,159,146, T>G. VCF-style: chr14-45159146-T-G. GRCh37 (hg19) VCF-style: chr14-45628349-T-G.
Other names: c.1369T>G, p.Ser457Ala (NM_001308133.2); c.1447T>G, p.Ser483Ala (NM_001308134.2); short protein forms S457A, S483A.
Identifiers: ClinVar variation 2010479 (VCV002010479.4), dbSNP rs2503122573, ClinGen allele CA389592466.

ClinVar aggregate classification (germline): Uncertain significance (1 of 4 stars; one submission).

Conditions:
Fanconi anemia (FA). Also called: Fanconi's anemia. Identifiers: Orphanet 84, MedGen C0015625, MeSH D005199, MONDO:0019391.

Submission:

Labcorp Genetics (formerly Invitae), Labcorp
Classification: Uncertain significance for Fanconi anemia. Last evaluated: 2022-06-25. Review status: criteria provided, single submitter. Criteria: Invitae Variant Classification Sherloc (09022015). Collection method: clinical testing. Allele origin: germline.
Comment: In summary, the available evidence is currently insufficient to determine the role of this variant in disease. Therefore, it has been classified as a Variant of Uncertain Significance. Algorithms developed to predict the effect of missense changes on protein structure and function (SIFT, PolyPhen-2, Align-GVGD) all suggest that this variant is likely to be tolerated. This variant has not been reported in the literature in individuals affected with FANCM-related conditions. This variant is not present in population databases (gnomAD no frequency). This sequence change replaces serine, which is neutral and polar, with alanine, which is neutral and non-polar, at codon 483 of the FANCM protein (p.Ser483Ala).